The following is an entry in ClinVar:

ClinVar aggregate classification (germline): Uncertain significance (1 of 4 stars; one submission).

gnomAD v4.1: 1 of 1,614,178 alleles (0.000062%); no homozygotes.

Submission:

Labcorp Genetics (formerly Invitae), Labcorp
Classification: Uncertain significance. Last evaluated: 2024-07-16. Review status: criteria provided, single submitter. Criteria: Invitae Variant Classification Sherloc (09022015). Collection method: clinical testing. Allele origin: germline.
Comment: This sequence change replaces proline, which is neutral and non-polar, with leucine, which is neutral and non-polar, at codon 3539 of the KMT2A protein (p.Pro3539Leu). This variant is not present in population databases (gnomAD no frequency). This variant has not been reported in the literature in individuals affected with KMT2A-related conditions. Advanced modeling of protein sequence and biophysical properties (such as structural, functional, and spatial information, amino acid conservation, physicochemical variation, residue mobility, and thermodynamic stability) performed at Invitae indicates that this missense variant is not expected to disrupt KMT2A protein function with a negative predictive value of 95%. In summary, the available evidence is currently insufficient to determine the role of this variant in disease. Therefore, it has been classified as a Variant of Uncertain Significance.

NM_001197104.2(KMT2A):c.10616C>T (p.Pro3539Leu)

Gene: KMT2A (lysine methyltransferase 2A; plus strand). Cytogenetic location: 11q23.3.
Variant type: single nucleotide variant.
Coding change: c.10616C>T on transcript NM_001197104.2 (MANE Select); coding-DNA position 10616, C replaced by T.
Protein change: p.Pro3539Leu; replaces proline 3539 with leucine.
Molecular consequence: missense variant.
Genome position (GRCh38, 1-based): chr11:118,506,508, C>T. VCF-style: chr11-118506508-C-T. GRCh37 (hg19) VCF-style: chr11-118377223-C-T.
Other names: c.10706C>T, p.Pro3569Leu (NM_001412597.1); c.10607C>T, p.Pro3536Leu (NM_005933.4); short protein forms P3536L, P3539L, P3569L.
Identifiers: ClinVar variation 3634361 (VCV003634361.2).